The following is an entry in ClinVar:

NM_004973.4(JARID2):c.3668G>C (p.Arg1223Thr)

Gene: JARID2 (jumonji and AT-rich interaction domain containing 2; plus strand). Cytogenetic location: 6p22.3.
Variant type: single nucleotide variant.
Coding change: c.3668G>C on transcript NM_004973.4 (MANE Select); coding-DNA position 3668, G replaced by C.
Protein change: p.Arg1223Thr; replaces arginine 1223 with threonine.
Molecular consequence: missense variant.
Genome position (GRCh38, 1-based): chr6:15,520,178, G>C. VCF-style: chr6-15520178-G-C. GRCh37 (hg19) VCF-style: chr6-15520409-G-C.
Other names: c.3152G>C, p.Arg1051Thr (NM_001267040.1); short protein forms R1051T, R1223T.
Identifiers: ClinVar variation 712911 (VCV000712911.9), dbSNP rs146690879, ClinGen allele CA3643575.

ClinVar aggregate classification (germline): Likely benign. Review status: criteria provided, multiple submitters, no conflicts (2 of 4 stars). 2 submissions from 2 submitters: Likely benign (2). Last evaluated 2026-06-01.

Allele frequency attached by ClinVar (database versions not stated): 1000 Genomes Project 0.00060; 1000 Genomes Project 30x 0.00062; TOPMed 0.00156; ESP Exome Variant Server 0.00177; gnomAD 0.00188 and 0.00190; ExAC 0.00204; gnomAD exomes 0.00209.
gnomAD v4.1: 3,318 of 1,614,016 alleles (0.21%); highest among the groups gnomAD compares: Non-Finnish European, 0.23%; 8 homozygotes.

Submissions (2):

CeGaT Center for Human Genetics Tuebingen
Classification: Likely benign. Last evaluated: 2026-06-01. Review status: criteria provided, single submitter. Criteria: CeGaT Center For Human Genetics Tuebingen Variant Classification Criteria Version 2. Collection method: clinical testing. Allele origin: germline. Affected: yes. Observed: 3 variant alleles.
Comment: JARID2: BS1

Labcorp Genetics (formerly Invitae), Labcorp
Classification: Likely benign. Last evaluated: 2018-12-07. Review status: criteria provided, single submitter. Criteria: Invitae Variant Classification Sherloc (09022015). Collection method: clinical testing. Allele origin: germline.